The following is an entry in ClinVar:

ClinVar aggregate classification (germline): Uncertain significance. Review status: criteria provided, multiple submitters, no conflicts (2 of 4 stars). 4 submissions from 4 submitters: Uncertain significance (4). Last evaluated 2025-06-24.

Conditions:
Familial hypercholesterolemia. Also called: Familial hypercholesterolaemia; Familial hypercholesterolemias. Identifiers: MedGen C0020445, MONDO:0005439.
Hypercholesterolemia, autosomal dominant, 3 (FHCL3). Also called: Familial hypercholesterolemia 3; PCSK9-Related Familial Hypercholesterolemia, Autosomal Dominant; Familial Hypercholesterolemia, Autosomal Dominant, 3. Identifiers: MedGen C1863551, MONDO:0011369, OMIM 603776.

Allele frequency attached by ClinVar (database versions not stated): ExAC 0.00002; gnomAD exomes 0.00002.
gnomAD v4.1: 23 of 1,610,836 alleles (0.0014%); highest among the groups gnomAD compares: South Asian, 0.0055%; no homozygotes.

Submissions (4):

Color Diagnostics, LLC DBA Color Health
Classification: Uncertain significance for Familial hypercholesterolemia. Last evaluated: 2025-06-24. Review status: criteria provided, single submitter. Criteria: ACMG Guidelines, 2015. Collection method: clinical testing. Allele origin: germline.
Comment: This missense variant replaces arginine with tryptophan at codon 495 of the PCSK9 protein. Computational prediction suggests that this variant may not impact protein structure and function. To our knowledge, functional studies have not been reported for this variant. This variant has been reported in an individual affected with familial hypercholesterolemia (PMID: 33418990). This variant has been identified in 4/248836 chromosomes in the general population by the Genome Aggregation Database (gnomAD). The available evidence is insufficient to determine the role of this variant in disease conclusively. Therefore, this variant is classified as a Variant of Uncertain Significance.

All of Us Research Program, National Institutes of Health
Classification: Uncertain significance for Hypercholesterolemia, autosomal dominant, 3. Last evaluated: 2024-09-23. Review status: criteria provided, single submitter. Criteria: ACMG Guidelines, 2015. Collection method: clinical testing. Allele origin: germline. Inheritance: Autosomal dominant inheritance. Observed: 2 variant alleles, 2 heterozygotes.
Comment: This missense variant replaces arginine with tryptophan at codon 495 of the PCSK9 protein. Computational prediction suggests that this variant may not impact protein structure and function (internally defined REVEL score threshold <= 0.5, PMID: 27666373). To our knowledge, functional studies have not been reported for this variant. This variant has not been reported in individuals affected with familial hypercholesterolemia in the literature. This variant has been identified in 4/248836 chromosomes in the general population by the Genome Aggregation Database (gnomAD). The available evidence is insufficient to determine the role of this variant in disease conclusively. Therefore, this variant is classified as a Variant of Uncertain Significance.

This study involves interpretation of variants in research participants for the purpose of population health screening. Participant phenotype was not available at the time of variant classification. Additional details can be found in publication PMID: 35346344, PMCID: PMC8962531

Institute of Human Genetics, University of Leipzig Medical Center
Classification: Uncertain significance for Hypercholesterolemia, autosomal dominant, 3. Last evaluated: 2023-05-03. Review status: criteria provided, single submitter. Criteria: ACMG Guidelines, 2015. Collection method: clinical testing. Allele origin: unknown. Inheritance: Autosomal dominant inheritance. Affected: yes.
Comment: Criteria applied: none applicable

Fulgent Genetics
Classification: Uncertain significance for Hypercholesterolemia, autosomal dominant, 3. Last evaluated: 2021-08-18. Review status: criteria provided, single submitter. Criteria: ACMG Guidelines, 2015. Collection method: clinical testing. Allele origin: unknown.

Literature cited by the submitters: PubMed 33418990 (cited by Color Diagnostics, LLC DBA Color Health).

NM_174936.4(PCSK9):c.1483C>T (p.Arg495Trp)

Gene: PCSK9 (proprotein convertase subtilisin/kexin type 9; plus strand). Cytogenetic location: 1p32.3.
Variant type: single nucleotide variant.
Coding change: c.1483C>T on transcript NM_174936.4 (MANE Select); coding-DNA position 1483, C replaced by T.
Protein change: p.Arg495Trp; replaces arginine 495 with tryptophan.
Molecular consequence: missense variant.
Genome position (GRCh38, 1-based): chr1:55,058,627, C>T. VCF-style: chr1-55058627-C-T. GRCh37 (hg19) VCF-style: chr1-55524300-C-T.
Other names: c.1606C>T, p.Arg536Trp (NM_001407240.1); c.1483C>T, p.Arg495Trp (NM_001407241.1); c.1486C>T, p.Arg496Trp (NM_001407242.1); c.1426C>T, p.Arg476Trp (NM_001407243.1); c.1309C>T, p.Arg437Trp (NM_001407244.1); c.1291C>T, p.Arg431Trp (NM_001407245.1); c.1108C>T, p.Arg370Trp (NM_001407246.1); short protein forms R495W, R431W, R476W, R370W, R437W, R496W, R536W.
Identifiers: ClinVar variation 806141 (VCV000806141.20), dbSNP rs758999339, ClinGen allele CA037143.